The following is an entry in ClinVar:

ClinVar aggregate classification (germline): Uncertain significance (1 of 4 stars; one submission).

Conditions:
Inborn genetic diseases. Identifiers: MedGen C0950123, MeSH D030342.

Submission:

Ambry Genetics
Classification: Uncertain significance for Inborn genetic diseases. Last evaluated: 2024-10-17. Review status: criteria provided, single submitter. Criteria: Ambry Variant Classification Scheme 2023. Collection method: clinical testing. Allele origin: germline.
Comment: The p.K2271E variant (also known as c.6811A>G), located in coding exon 46 of the LRRK2 gene, results from an A to G substitution at nucleotide position 6811. The lysine at codon 2271 is replaced by glutamic acid, an amino acid with similar properties. This amino acid position is conserved. In addition, this alteration is predicted to be tolerated by in silico analysis. Based on the available evidence, the clinical significance of this variant remains unclear.

NM_198578.4(LRRK2):c.6811A>G (p.Lys2271Glu)

Gene: LRRK2 (leucine rich repeat kinase 2; plus strand). Cytogenetic location: 12q12.
Variant type: single nucleotide variant.
Coding change: c.6811A>G on transcript NM_198578.4 (MANE Select); coding-DNA position 6811, A replaced by G.
Protein change: p.Lys2271Glu; replaces lysine 2271 with glutamic acid.
Molecular consequence: missense variant.
Genome position (GRCh38, 1-based): chr12:40,356,155, A>G. VCF-style: chr12-40356155-A-G. GRCh37 (hg19) VCF-style: chr12-40749957-A-G.
Other names: short protein forms K2271E.
Identifiers: ClinVar variation 3540738 (VCV003540738.1).